The following is an entry in ClinVar:

NM_000132.4(F8):c.6371A>G (p.Tyr2124Cys)

Gene: F8 (coagulation factor VIII; minus strand). Cytogenetic location: Xq28.
Variant type: single nucleotide variant.
Coding change: c.6371A>G on transcript NM_000132.4 (MANE Select); coding-DNA position 6371, A replaced by G.
Protein change: p.Tyr2124Cys; replaces tyrosine 2124 with cysteine.
Molecular consequence: missense variant.
Genome position (GRCh38, 1-based): chrX:154,896,135, T>C on the plus strand (A>G on the coding strand, the complement: F8 is on the minus strand). VCF-style: chrX-154896135-T-C. GRCh37 (hg19) VCF-style: chrX-154124410-T-C.
Other names: F8, TYR2124CYS; short protein forms Y2124C.
Identifiers: ClinVar variation 10310 (VCV000010310.15), dbSNP rs137852459, ClinGen allele CA255203.

ClinVar aggregate classification (germline): Pathogenic/Likely pathogenic. Review status: criteria provided, multiple submitters, no conflicts (2 of 4 stars). 5 submissions from 5 submitters: Pathogenic (3); Likely pathogenic (1). 1 of the submissions does not count toward it. Last evaluated 2025-09-16.

Conditions:
Hereditary factor VIII deficiency disease (HEMA). Also called: AUTOSOMAL HEMOPHILIA A; Hemophilia A; HEMOPHILIA, CLASSIC; Hemophilia A, congenital; HEM A; Factor 8 deficiency, congenital. Identifiers: Orphanet 98878, MedGen C0019069, MONDO:0010602, OMIM 306700.

Allele frequency attached by ClinVar (database versions not stated): gnomAD exomes below 0.00001 and 0.00001; TOPMed 0.00011; ExAC 0.00002.
gnomAD v4.1: 2 of 1,208,767 alleles (0.00017%); no homozygotes.

Submissions (5):

Mayo Clinic Laboratories, Mayo Clinic
Classification: Pathogenic. Last evaluated: 2025-09-16. Review status: criteria provided, single submitter. Criteria: ACMG Guidelines, 2015. Collection method: clinical testing. Allele origin: germline. Observed: 2 variant alleles.
Comment: PP1_moderate, PP3_strong, PS4_very_strong

Women's Health and Genetics/Laboratory Corporation of America, LabCorp
Classification: Pathogenic for Hereditary factor VIII deficiency disease. Last evaluated: 2024-04-03. Review status: criteria provided, single submitter. Criteria: LabCorp Variant Classification Summary - May 2015. Collection method: clinical testing. Allele origin: germline.
Comment: Variant summary: F8 c.6371A>G (p.Tyr2124Cys) results in a non-conservative amino acid change located in the Coagulation factor 5/8 C-terminal domain (IPR000421) of the encoded protein sequence. Five of five in-silico tools predict a damaging effect of the variant on protein function. The variant allele was found at a frequency of 5.5e-06 in 183296 control chromosomes. c.6371A>G has been reported in the literature in multiple individuals affected with milder/non-severe Factor VIII Deficiency (Hemophilia A). These data indicate that the variant is very likely to be associated with disease. The following publications have been ascertained in the context of this evaluation (PMID: 23926300, 22103590). ClinVar contains an entry for this variant (Variation ID: 10310). Based on the evidence outlined above, the variant was classified as pathogenic.

ARUP Laboratories, Molecular Genetics and Genomics, ARUP Laboratories
Classification: Pathogenic. Last evaluated: 2024-01-16. Review status: criteria provided, single submitter. Criteria: ARUP Molecular Germline Variant Investigation Process 2024. Collection method: clinical testing. Allele origin: germline.
Comment: The F8 c.6371A>G; p.Tyr2124Cys variant (rs137852459), also known as Tyr2105Cys, has been described in the literature in numerous individuals with mild or moderate hemophilia A (Naylor 1993, Margaglione 2008, Johnsen 2017, Williams 2015, F8 database). This variant is also reported in ClinVar (Variation ID: 10310), but is only observed on one allele (one hemizygote) in the Genome Aggregation Database, indicating it is not a common polymorphism. Computational analyses predict that this variant is deleterious (REVEL: 0.970). Based on available information, this variant is considered pathogenic. References: Link to F8 database: Naylor JA et al. Analysis of factor VIII mRNA reveals defects in everyone of 28 haemophilia A patients. Hum Mol Genet. 1993 Jan;2(1):11-7. PMID: 8490618 Margaglione M et al. The Italian AICE-Genetics hemophilia A database: results and correlation with clinical phenotype. Haematologica. 2008 May;93(5):722-8. PMID: 18387975 Johnsen JM et al. Novel approach to genetic analysis and results in 3000 hemophilia patients enrolled in the My Life, Our Future initiative. Blood Adv. 2017 May 18;1(13):824-834. PMID: 29296726 Williams VK et al. Extensive bleeding due to an inhibitor in a haemophilia A patient with a Tyr2105Cys mutation: elimination of the inhibitor with rituximab. Pathology. 2015 Oct;47(6):586-8. PMID: 26308136

Genetics and Molecular Pathology, SA Pathology
Classification: Likely pathogenic for Hereditary factor VIII deficiency disease. Last evaluated: 2023-02-10. Review status: criteria provided, single submitter. Criteria: ACMG Guidelines, 2015. Collection method: clinical testing. Allele origin: germline. Inheritance: X-linked recessive inheritance. Affected: yes.
Comment: The F8 c.6371A>G variant is classified as Likely Pathogenic (PS4_Moderate, PM1, PM2, PP3) The F8 c.6371A>G variant is a single nucleotide change in exon 22/26 of the F8 gene, which is predicted to change the amino acid tyrosine at position 2124 in the protein to cysteine. The variant has been reported in numerous individuals with a clinical presentation of mild to severe haemophilia as reported in the EAHAD F8 Variant database (PS4_Mod). Note that this variant is also reported in the literature as Tyr2105Cys.This variant is absent from population databases (PM2). This variant is located in the Factor VIII C domain which contains key binding sites for von Willebrand factor (vWF) and phospholipid membranes (PMID: 10910913) (PM1). Computational predictions support a deleterious effect on the gene or gene product (PP3). The variant has been reported in dbSNP (rs137852459) and in the HGMD database: CM930235. It has been reported as Likely pathogenic by other diagnostic laboratories (ClinVar Variation ID: 10310).

OMIM
Classification: Pathogenic for HEMOPHILIA A. Last evaluated: 1993-11-01. Review status: no assertion criteria provided. Collection method: literature only. Allele origin: germline. Not counted in ClinVar's aggregate classification.

Literature cited by the submitters: PubMed 11251334 (cited by Mayo Clinic Laboratories, Mayo Clinic); PubMed 11298607 (cited by Mayo Clinic Laboratories, Mayo Clinic); PubMed 16834751 (cited by Mayo Clinic Laboratories, Mayo Clinic); PubMed 16972227 (cited by Mayo Clinic Laboratories, Mayo Clinic); PubMed 18691168 (cited by Mayo Clinic Laboratories, Mayo Clinic); PubMed 23913812 (cited by Mayo Clinic Laboratories, Mayo Clinic); PubMed 26308136 (cited by Mayo Clinic Laboratories, Mayo Clinic); PubMed 29296726 (cited by Mayo Clinic Laboratories, Mayo Clinic); PubMed 8490618 (cited by Mayo Clinic Laboratories, Mayo Clinic); PubMed 23926300 (cited by Women's Health and Genetics/Laboratory Corporation of America, LabCorp); PubMed 22103590 (cited by Women's Health and Genetics/Laboratory Corporation of America, LabCorp); PubMed 10910913 (cited by Genetics and Molecular Pathology, SA Pathology); PubMed 8281136 (cited by OMIM); PubMed 6438527 (cited by OMIM).